The following is an entry in ClinVar:

NM_025009.5(CEP135):c.2616G>T (p.Lys872Asn)

Gene: CEP135 (centrosomal protein 135; plus strand). Cytogenetic location: 4q12.
Variant type: single nucleotide variant.
Coding change: c.2616G>T on transcript NM_025009.5 (MANE Select); coding-DNA position 2616, G replaced by T.
Protein change: p.Lys872Asn; replaces lysine 872 with asparagine.
Molecular consequence: missense variant.
Genome position (GRCh38, 1-based): chr4:56,011,522, G>T. VCF-style: chr4-56011522-G-T. GRCh37 (hg19) VCF-style: chr4-56877688-G-T.
Other names: short protein forms K872N.
Identifiers: ClinVar variation 2235527 (VCV002235527.2), dbSNP rs1257761762, ClinGen allele CA356967011.

ClinVar aggregate classification (germline): Uncertain significance (1 of 4 stars; one submission).

Conditions:
Inborn genetic diseases. Identifiers: MedGen C0950123, MeSH D030342.

Allele frequency attached by ClinVar (database versions not stated): gnomAD 0.00001; gnomAD exomes 0.00001.
gnomAD v4.1: 15 of 1,585,652 alleles (0.00095%); highest among the groups gnomAD compares: African/African-American, 0.0014%; no homozygotes.

Submission:

Ambry Genetics
Classification: Uncertain significance for Inborn genetic diseases. Last evaluated: 2021-09-21. Review status: criteria provided, single submitter. Criteria: Ambry Variant Classification Scheme 2023. Collection method: clinical testing. Allele origin: germline.
Comment: Occurs in the last base pair of the exon Based on insufficient or conflicting evidence, the clinical significance of this alteration remains unclear.